The following is an entry in ClinVar:

NM_001005498.4(RHBDF2):c.422C>T (p.Pro141Leu)

Gene: RHBDF2 (rhomboid 5 homolog 2; minus strand). Cytogenetic location: 17q25.1.
Variant type: single nucleotide variant.
Coding change: c.422C>T on transcript NM_001005498.4 (MANE Select); coding-DNA position 422, C replaced by T.
Protein change: p.Pro141Leu; replaces proline 141 with leucine.
Molecular consequence: missense variant. On other transcripts: non-coding transcript variant (3).
Genome position (GRCh38, 1-based): chr17:76,479,128, G>A on the plus strand (C>T on the coding strand, the complement: RHBDF2 is on the minus strand). VCF-style: chr17-76479128-G-A. GRCh37 (hg19) VCF-style: chr17-74475210-G-A.
Other names: c.422C>T, p.Pro141Leu (NM_001376228.1, NM_001376229.1, NM_001376230.1); c.509C>T, p.Pro170Leu (NM_024599.5); short protein forms P141L, P170L.
Identifiers: ClinVar variation 3314177 (VCV003314177.3).

ClinVar aggregate classification (germline): Uncertain significance. Review status: criteria provided, multiple submitters, no conflicts (2 of 4 stars). 2 submissions from 2 submitters: Uncertain significance (2). Last evaluated 2024-12-16.

Conditions:
Inborn genetic diseases. Identifiers: MedGen C0950123, MeSH D030342.

gnomAD v4.1: 64 of 1,613,492 alleles (0.004%); highest among the groups gnomAD compares: Middle Eastern, 0.017%; no homozygotes.

Submissions (2):

Labcorp Genetics (formerly Invitae), Labcorp
Classification: Uncertain significance. Last evaluated: 2024-12-16. Review status: criteria provided, single submitter. Criteria: Invitae Variant Classification Sherloc (09022015). Collection method: clinical testing. Allele origin: germline.
Comment: This sequence change replaces proline, which is neutral and non-polar, with leucine, which is neutral and non-polar, at codon 170 of the RHBDF2 protein (p.Pro170Leu). This variant is present in population databases (rs147368530, gnomAD 0.007%). This variant has not been reported in the literature in individuals affected with RHBDF2-related conditions. An algorithm developed to predict the effect of missense changes on protein structure and function outputs the following: PolyPhen-2: "Benign". The leucine amino acid residue is found in multiple mammalian species, which suggests that this missense change does not adversely affect protein function. In summary, the available evidence is currently insufficient to determine the role of this variant in disease. Therefore, it has been classified as a Variant of Uncertain Significance.

Ambry Genetics
Classification: Uncertain significance for Inborn genetic diseases. Last evaluated: 2024-06-11. Review status: criteria provided, single submitter. Criteria: Ambry Variant Classification Scheme 2023. Collection method: clinical testing. Allele origin: germline.